The following is an entry in ClinVar:

ClinVar aggregate classification (germline): not provided (0 of 4 stars; one submission).

Allele frequency attached by ClinVar (database versions not stated): gnomAD 0.00005 and 0.00006; ExAC 0.00007; TOPMed 0.00008; gnomAD exomes 0.00009 and 0.00010; 1000 Genomes Project 30x 0.00016; 1000 Genomes Project 0.00020.
gnomAD v4.1: 147 of 1,606,164 alleles (0.0092%); highest among the groups gnomAD compares: Admixed American, 0.035%; no homozygotes.

Submission:

Human Evolutionary Genetics, Institut Pasteur
No classification provided. Review status: no classification provided. Collection method: not provided. Allele origin: germline.
ClinVar note: Converted during submission from untested to not provided.

NM_017852.5(NLRP2):c.281-20C>T

Gene: NLRP2 (NLR family pyrin domain containing 2; plus strand). Cytogenetic location: 19q13.42.
Variant type: single nucleotide variant.
Coding change: c.281-20C>T on transcript NM_017852.5 (MANE Select); 20 bases into the intron before coding-DNA position 281, C replaced by T.
Molecular consequence: intron variant.
Genome position (GRCh38, 1-based): chr19:54,974,480, C>T. VCF-style: chr19-54974480-C-T. GRCh37 (hg19) VCF-style: chr19-55485848-C-T.
Other names: c.281-20C>T (NM_001174081.3, NM_001348003.2, NM_001174082.3); c.212-20C>T (NM_001174083.2).
Identifiers: ClinVar variation 103062 (VCV000103062.2), dbSNP rs199475709, ClinGen allele CA230054.